The following is an entry in ClinVar:

NM_004387.4(NKX2-5):c.583CGGCAG[3] (p.195RQ[3])

Gene: NKX2-5 (NK2 homeobox 5; minus strand). Cytogenetic location: 5q35.1.
Variant type: Microsatellite.
Coding change: c.583CGGCAG[3] on transcript NM_004387.4 (MANE Select); three copies in a row of the 6-base unit CGGCAG starting at c.583; the reference has two copies in a row; one copy, 6 bases duplicated; also written c.589_594dup.
Protein change: p.195RQ[3].
Molecular consequence: inframe insertion. On other transcripts: 3 prime UTR variant (2).
Genome position (GRCh38, 1-based): chr5:173,232,950-173,232,955, CTGCCG duplicated on the plus strand (CGGCAG on the coding strand, the reverse complement: NKX2-5 is on the minus strand); duplicating any 6 consecutive bases within chr5:173,232,950-173,232,963 gives the same sequence; the position shown is the placement nearest the transcript's 3' end. VCF-style (leftmost placement, unchanged base first): chr5-173232949-C-CCTGCCG. GRCh37 (hg19) VCF-style: chr5-172659952-C-CCTGCCG.
Other names: c.*536CGGCAG[3] (NM_001166175.2); c.*382CGGCAG[3] (NM_001166176.2); c.594_595insCGGCAG (NM_004387.3); c.589_594dup (NM_004387.3).
Identifiers: ClinVar variation 666395 (VCV000666395.1).

ClinVar aggregate classification (germline): Uncertain significance (1 of 4 stars; one submission).

Submission:

GeneDx
Classification: Uncertain significance. Last evaluated: 2024-10-19. Review status: criteria provided, single submitter. Criteria: GeneDx Variant Classification Process June 2021. Collection method: clinical testing. Allele origin: germline. Affected: yes.
Comment: Not observed at significant frequency in large population cohorts (gnomAD); In-frame duplication of 2 amino acid(s) in a non-repeat region; Has not been previously published as pathogenic or benign to our knowledge